The following is an entry in ClinVar:

NM_000264.5(PTCH1):c.4252G>A (p.Val1418Ile)

Gene: PTCH1 (patched 1; minus strand). Cytogenetic location: 9q22.32.
Variant type: single nucleotide variant.
Coding change: c.4252G>A on transcript NM_000264.5 (MANE Select); coding-DNA position 4252, G replaced by A.
Protein change: p.Val1418Ile; replaces valine 1418 with isoleucine.
Molecular consequence: missense variant. On other transcripts: non-coding transcript variant (1).
Genome position (GRCh38, 1-based): chr9:95,447,004, C>T on the plus strand (G>A on the coding strand, the complement: PTCH1 is on the minus strand). VCF-style: chr9-95447004-C-T. GRCh37 (hg19) VCF-style: chr9-98209286-C-T.
Other names: c.4054G>A, p.Val1352Ile (NM_001083602.3); c.4249G>A, p.Val1417Ile (NM_001083603.3); c.3799G>A, p.Val1267Ile (NM_001083604.3, NM_001083605.3, NM_001083606.3 and 1 more transcripts); c.4096G>A, p.Val1366Ile (NM_001354918.2); short protein forms V1352I, V1418I, V1267I, V1417I, V1366I.
Identifiers: ClinVar variation 219882 (VCV000219882.24), dbSNP rs369882883, ClinGen allele CA349062.

ClinVar aggregate classification (germline): Conflicting classifications of pathogenicity. Review status: criteria provided, conflicting classifications (1 of 4 stars). 6 submissions from 6 submitters: Uncertain significance (1); Benign (1); Likely benign (3). 1 of the submissions does not count toward it. Last evaluated 2026-03-01.

Conditions:
Hereditary cancer-predisposing syndrome. Also called: Neoplastic Syndromes, Hereditary; Hereditary Cancer Syndrome; Tumor predisposition; Hereditary neoplastic syndrome. Identifiers: Orphanet 140162, MedGen C0027672, MeSH D009386, MONDO:0015356.
Gorlin syndrome. Also called: Nevoid Basal Cell Carcinoma Syndrome; Basal cell nevus syndrome. Identifiers: Orphanet 377, MedGen C0004779, MONDO:0007187.
PTCH1-related disorder. Also called: PTCH1-related disorders; PTCH1-related condition.

Allele frequency attached by ClinVar (database versions not stated): ESP Exome Variant Server 0.00008; gnomAD 0.00013 and 0.00014; 1000 Genomes Project 0.00020; TOPMed 0.00030; 1000 Genomes Project 30x 0.00031; ExAC 0.00031; gnomAD exomes 0.00045.
gnomAD v4.1: 209 of 1,614,186 alleles (0.013%); highest among the groups gnomAD compares: Admixed American, 0.21%; no homozygotes.

Submissions (6):

CeGaT Center for Human Genetics Tuebingen
Classification: Likely benign. Last evaluated: 2026-03-01. Review status: criteria provided, single submitter. Criteria: CeGaT Center For Human Genetics Tuebingen Variant Classification Criteria Version 2. Collection method: clinical testing. Allele origin: germline. Affected: yes. Observed: 2 variant alleles.
Comment: PTCH1: BS1

Labcorp Genetics (formerly Invitae), Labcorp
Classification: Benign for Gorlin syndrome. Last evaluated: 2026-02-01. Review status: criteria provided, single submitter. Criteria: Invitae Variant Classification Sherloc (09022015). Collection method: clinical testing. Allele origin: germline.

Sema4
Classification: Likely benign for Hereditary cancer-predisposing syndrome. Last evaluated: 2021-12-16. Review status: criteria provided, single submitter. Criteria: Sema4 Curation Guidelines. Collection method: curation. Allele origin: germline.

Ambry Genetics
Classification: Likely benign for Hereditary cancer-predisposing syndrome. Last evaluated: 2019-03-12. Review status: criteria provided, single submitter. Criteria: Ambry Variant Classification Scheme 2023. Collection method: clinical testing. Allele origin: germline.

GeneDx
Classification: Uncertain significance. Last evaluated: 2016-06-27. Review status: criteria provided, single submitter. Criteria: GeneDx Variant Classification (06012015). Collection method: clinical testing. Allele origin: germline. Affected: yes.
Comment: This variant is denoted PTCH1 c.4252G>A at the cDNA level, p.Val1418Ile (V1418I) at the protein level, and results in the change of a Valine to an Isoleucine (GTC>ATC). This variant has not, to our knowledge, been published in the literature as pathogenic or benign. PTCH1 Val1418Ile was not observed at significant allele frequency in the NHLBI Exome Sequencing Project or in 1000 Genomes. Since Valine and Isoleucine share similar properties, this is considered a conservative amino acid substitution. PTCH1 Val1418Ile occurs at a position that is conserved in mammals and is not located in a known functional domain (UniProt). In silico analyses are inconsistent regarding the effect this variant may have on protein structure and function. Based on currently available evidence, it is unclear whether PTCH1 Val1418Ile is a pathogenic or benign variant. We consider it to be a variant of uncertain significance.

PreventionGenetics, part of Exact Sciences
Classification: Likely benign for PTCH1-related condition. Last evaluated: 2019-07-08. Review status: no assertion criteria provided. Collection method: clinical testing. Allele origin: germline. Not counted in ClinVar's aggregate classification.
Comment: This variant is classified as likely benign based on ACMG/AMP sequence variant interpretation guidelines (Richards et al. 2015 PMID: 25741868, with internal and published modifications).